The following is an entry in ClinVar:

ClinVar aggregate classification (germline): Likely benign (0 of 4 stars; one submission).

Conditions:
MYH10-related disorder. Also called: MYH10-related condition.

Allele frequency attached by ClinVar (database versions not stated): TOPMed 0.00001; ExAC 0.00001; gnomAD 0.00003; ESP Exome Variant Server 0.00015.
gnomAD v4.1: 21 of 1,579,134 alleles (0.0013%); highest among the groups gnomAD compares: Non-Finnish European, 0.0017%; no homozygotes.

Submission:

PreventionGenetics, part of Exact Sciences
Classification: Likely benign for MYH10-related condition. Last evaluated: 2021-09-28. Review status: no assertion criteria provided. Collection method: clinical testing. Allele origin: germline.
Comment: This variant is classified as likely benign based on ACMG/AMP sequence variant interpretation guidelines (Richards et al. 2015 PMID: 25741868, with internal and published modifications).

NM_001256012.3(MYH10):c.5175+4G>A

Gene: MYH10 (myosin heavy chain 10; minus strand). Cytogenetic location: 17p13.1.
Variant type: single nucleotide variant.
Coding change: c.5175+4G>A on transcript NM_001256012.3 (MANE Select); 4 bases into the intron after coding-DNA position 5175, G replaced by A.
Molecular consequence: intron variant.
Genome position (GRCh38, 1-based): chr17:8,484,134, C>T on the plus strand (G>A on the coding strand, the complement: MYH10 is on the minus strand). VCF-style: chr17-8484134-C-T. GRCh37 (hg19) VCF-style: chr17-8387452-C-T.
Other names: c.5112+4G>A (NM_001375266.1); c.5082+4G>A (NM_005964.5); c.5109+4G>A (NM_001256095.2).
Identifiers: ClinVar variation 3061500 (VCV003061500.2), dbSNP rs374632321, ClinGen allele CA8376968.